The following is an entry in ClinVar:

NM_014053.4(FLVCR1):c.1546C>T (p.Arg516Ter)

Gene: FLVCR1 (FLVCR choline and heme transporter 1; plus strand). Cytogenetic location: 1q32.3.
Variant type: single nucleotide variant.
Coding change: c.1546C>T on transcript NM_014053.4 (MANE Select); coding-DNA position 1546, C replaced by T.
Protein change: p.Arg516Ter; replaces arginine 516 with a stop codon.
Molecular consequence: nonsense.
Genome position (GRCh38, 1-based): chr1:212,895,006, C>T. VCF-style: chr1-212895006-C-T. GRCh37 (hg19) VCF-style: chr1-213068348-C-T.
Other names: short protein forms R516*.
Identifiers: ClinVar variation 488940 (VCV000488940.11), dbSNP rs538343832, ClinGen allele CA1386181.

ClinVar aggregate classification (germline): Conflicting classifications of pathogenicity. Review status: criteria provided, conflicting classifications (1 of 4 stars). 4 submissions from 4 submitters: Pathogenic (2); Uncertain significance (2). Last evaluated 2025-11-19.

Conditions:
FLVCR1-related disorder. Also called: FLVCR1-related condition.
Posterior column ataxia-retinitis pigmentosa syndrome (RETSNS). Also called: RETINOPATHY-SENSORY NEUROPATHY SYNDROME. Identifiers: Orphanet 88628, MedGen C1836916, MONDO:0012177, OMIM 609033.

Allele frequency attached by ClinVar (database versions not stated): ExAC 0.00003; gnomAD exomes 0.00003; TOPMed 0.00003; 1000 Genomes Project 30x 0.00016; 1000 Genomes Project 0.00020.
gnomAD v4.1: 25 of 1,603,248 alleles (0.0016%); highest among the groups gnomAD compares: African/African-American, 0.011%; no homozygotes.

Submissions (4):

Labcorp Genetics (formerly Invitae), Labcorp
Classification: Pathogenic. Last evaluated: 2025-11-19. Review status: criteria provided, single submitter. Criteria: Invitae Variant Classification Sherloc (09022015). Collection method: clinical testing. Allele origin: germline.
Comment: This sequence change creates a premature translational stop signal (p.Arg516*) in the FLVCR1 gene. It is expected to result in an absent or disrupted protein product. Loss-of-function variants in FLVCR1 are known to be pathogenic (PMID: 23591405, 27923065). This variant is present in population databases (rs538343832, gnomAD 0.02%). This variant has not been reported in the literature in individuals affected with FLVCR1-related conditions. ClinVar contains an entry for this variant (Variation ID: 488940). For these reasons, this variant has been classified as Pathogenic.

PreventionGenetics, part of Exact Sciences
Classification: Uncertain significance for FLVCR1-related condition. Last evaluated: 2025-11-18. Review status: criteria provided, single submitter. Criteria: ACMG Guidelines, 2015. Collection method: clinical testing. Allele origin: germline.
Comment: The FLVCR1 c.1546C>T variant is predicted to result in premature protein termination (p.Arg516*). To our knowledge, this variant has not been reported in inidivduals with FLVCR1-related disease. This variant is reported in 0.016% of alleles in individuals of African descent in gnomAD. Although we suspect that this variant may be pathogenic, at this time, the clinical significance of this variant is uncertain due to the absence of conclusive functional and genetic evidence.

Mendelics
Classification: Pathogenic for Posterior column ataxia-retinitis pigmentosa syndrome. Last evaluated: 2019-05-28. Review status: criteria provided, single submitter. Criteria: Mendelics Assertion Criteria 2017. Collection method: clinical testing. Allele origin: unknown.

GeneDx
Classification: Uncertain significance. Last evaluated: 2016-10-17. Review status: criteria provided, single submitter. Criteria: GeneDx Variant Classification (06012015). Collection method: clinical testing. Allele origin: germline. Affected: yes.
Comment: The R516X variant in the FLVCR1 gene has not been reported previously as a pathogenic variant, nor as a benign variant, to our knowledge. This variant is predicted to cause loss of normal protein function through protein truncation. The R516X variant was not observed in approximately 6,500 individuals of European and African American ancestry in the NHLBI Exome Sequencing Project, indicating it is not a common benign variant in these populations. We interpret R516X as a variant of uncertain significance.

Literature cited by the submitters: PubMed 23591405 (cited by Labcorp Genetics (formerly Invitae), Labcorp); PubMed 27923065 (cited by Labcorp Genetics (formerly Invitae), Labcorp).